The following is an entry in ClinVar:

NM_005475.3(SH2B3):c.241G>T (p.Asp81Tyr)

Gene: SH2B3 (SH2B adaptor protein 3; plus strand). Cytogenetic location: 12q24.12.
Variant type: single nucleotide variant.
Coding change: c.241G>T on transcript NM_005475.3 (MANE Select); coding-DNA position 241, G replaced by T.
Protein change: p.Asp81Tyr; replaces aspartic acid 81 with tyrosine.
Molecular consequence: missense variant.
Genome position (GRCh38, 1-based): chr12:111,418,386, G>T. VCF-style: chr12-111418386-G-T. GRCh37 (hg19) VCF-style: chr12-111856190-G-T.
Other names: short protein forms D81Y.
Identifiers: ClinVar variation 3440782 (VCV003440782.1).

ClinVar aggregate classification (germline): Uncertain significance (1 of 4 stars; one submission).

Conditions:
Inborn genetic diseases. Identifiers: MedGen C0950123, MeSH D030342.

gnomAD v4.1: 11 of 1,505,828 alleles (0.00073%); highest among the groups gnomAD compares: Admixed American, 0.017%; no homozygotes.

Submission:

Ambry Genetics
Classification: Uncertain significance for Inborn genetic diseases. Last evaluated: 2024-11-25. Review status: criteria provided, single submitter. Criteria: Ambry Variant Classification Scheme 2023. Collection method: clinical testing. Allele origin: germline.
Comment: The p.D81Y variant (also known as c.241G>T), located in coding exon 1 of the SH2B3 gene, results from a G to T substitution at nucleotide position 241. The aspartic acid at codon 81 is replaced by tyrosine, an amino acid with highly dissimilar properties. This amino acid position is conserved. In addition, this alteration is predicted to be tolerated by in silico analysis. Based on the available evidence, the clinical significance of this variant remains unclear.